The following is an entry in ClinVar:

ClinVar aggregate classification (germline): Uncertain significance (1 of 4 stars; one submission).

Conditions:
Wolman disease (WOLD). Also called: Acid cholesteryl ester hydrolase deficiency, Wolman type; Acid lipase disease; LYSOSOMAL ACID LIPASE DEFICIENCY, ACUTE INFANTILE; LYSOSOMAL ACID LIPASE DEFICIENCY, COMPLETE; LIPA DEFICIENCY, COMPLETE; LAL DEFICIENCY, COMPLETE. Identifiers: Orphanet 75233, MedGen C0043208, MONDO:0019148, OMIM 620151.

Allele frequency attached by ClinVar (database versions not stated): ExAC 0.00002; gnomAD exomes 0.00001; TOPMed below 0.00001.
gnomAD v4.1: 5 of 1,614,176 alleles (0.00031%); highest among the groups gnomAD compares: Admixed American, 0.0083%; no homozygotes.

Submission:

Labcorp Genetics (formerly Invitae), Labcorp
Classification: Uncertain significance for Wolman disease. Last evaluated: 2022-05-13. Review status: criteria provided, single submitter. Criteria: Invitae Variant Classification Sherloc (09022015). Collection method: clinical testing. Allele origin: germline.
Comment: This sequence change replaces leucine, which is neutral and non-polar, with phenylalanine, which is neutral and non-polar, at codon 88 of the LIPA protein (p.Leu88Phe). This variant is present in population databases (rs755847301, gnomAD 0.01%). This variant has not been reported in the literature in individuals affected with LIPA-related conditions. Algorithms developed to predict the effect of missense changes on protein structure and function output the following: SIFT: "Tolerated"; PolyPhen-2: "Benign"; Align-GVGD: "Class C0". The phenylalanine amino acid residue is found in multiple mammalian species, which suggests that this missense change does not adversely affect protein function. In summary, the available evidence is currently insufficient to determine the role of this variant in disease. Therefore, it has been classified as a Variant of Uncertain Significance.

NM_000235.4(LIPA):c.264G>T (p.Leu88Phe)

Gene: LIPA (lipase A, lysosomal acid type; minus strand). Cytogenetic location: 10q23.31.
Variant type: single nucleotide variant.
Coding change: c.264G>T on transcript NM_000235.4 (MANE Select); coding-DNA position 264, G replaced by T.
Protein change: p.Leu88Phe; replaces leucine 88 with phenylalanine.
Molecular consequence: missense variant. On other transcripts: 5 prime UTR variant (1).
Genome position (GRCh38, 1-based): chr10:89,228,364, C>A on the plus strand (G>T on the coding strand, the complement: LIPA is on the minus strand). VCF-style: chr10-89228364-C-A. GRCh37 (hg19) VCF-style: chr10-90988121-C-A.
Other names: c.264G>T, p.Leu88Phe (NM_001127605.3); c.-85G>T (NM_001288979.2); short protein forms L88F.
Identifiers: ClinVar variation 2147513 (VCV002147513.1), dbSNP rs755847301, ClinGen allele CA5593769.